The following is an entry in ClinVar:

NM_001374828.1(ARID1B):c.2319C>T (p.Ser773=)

Gene: ARID1B (AT-rich interaction domain 1B; plus strand). Cytogenetic location: 6q25.3.
Variant type: single nucleotide variant.
Coding change: c.2319C>T on transcript NM_001374828.1 (MANE Select); coding-DNA position 2319, C replaced by T.
Protein change: p.Ser773=; no amino-acid change (serine 773 retained).
Molecular consequence: synonymous variant. On other transcripts: 5 prime UTR variant (1).
Genome position (GRCh38, 1-based): chr6:157,084,733, C>T. VCF-style: chr6-157084733-C-T. GRCh37 (hg19) VCF-style: chr6-157405867-C-T.
Other names: c.-181C>T (NM_001363725.2); c.2358C>T, p.Ser786= (NM_001371656.1, NM_001374820.1); c.2319C>T, p.Ser773= (NM_017519.3); c.2109C>T (NM_020732.3).
Identifiers: ClinVar variation 1595676 (VCV001595676.35), dbSNP rs148700132, ClinGen allele CA4067016.
Genomic context (GRCh38, chr6:157,084,733, plus strand): 5'-CTCCATTGATGACCTCCCCACGGGAACGGAAGCAACTTTGAGCTCAGCAGTCAGTGCATC[C>T]GGGTCCACGAGCAGCCAAGGGGATCAGAGCAACCCGGCGCAGTCGCCTTTCTCCCCACAT-3'
Protein context (NP_001361757.1, residues 763-783): EATLSSAVSA[Ser773=]GSTSSQGDQS

ClinVar aggregate classification (germline): Likely benign. Review status: criteria provided, multiple submitters, no conflicts (2 of 4 stars). 5 submissions from 5 submitters: Likely benign (4). 1 of the submissions does not count toward it. Last evaluated 2025-12-01.

Conditions:
Inborn genetic diseases. Identifiers: MedGen C0950123, MeSH D030342.
ARID1B-Related Disorder. Identifiers: MedGen CN381337.

Allele frequency attached by ClinVar (database versions not stated): ExAC 0.00007; gnomAD exomes 0.00010; TOPMed 0.00011; gnomAD 0.00016; ESP Exome Variant Server 0.00023.
gnomAD v4.1: 250 of 1,614,026 alleles (0.015%); highest among the groups gnomAD compares: Non-Finnish European, 0.02%; no homozygotes.

Submissions (5):

CeGaT Center for Human Genetics Tuebingen
Classification: Likely benign. Last evaluated: 2025-12-01. Review status: criteria provided, single submitter. Criteria: CeGaT Center For Human Genetics Tuebingen Variant Classification Criteria Version 2. Collection method: clinical testing. Allele origin: germline. Affected: yes. Observed: 5 variant alleles.
Comment: ARID1B: BP4, BP7

Blueprint Genetics
Classification: Likely benign. Last evaluated: 2024-11-20. Review status: criteria provided, single submitter. Criteria: ACMG Guidelines, 2015. Collection method: clinical testing. Allele origin: germline.

Labcorp Genetics (formerly Invitae), Labcorp
Classification: Likely benign. Last evaluated: 2023-10-05. Review status: criteria provided, single submitter. Criteria: Invitae Variant Classification Sherloc (09022015). Collection method: clinical testing. Allele origin: germline.

Ambry Genetics
Classification: Likely benign for Inborn genetic diseases. Last evaluated: 2017-07-19. Review status: criteria provided, single submitter. Criteria: Ambry Variant Classification Scheme 2023. Collection method: clinical testing. Allele origin: germline.

PreventionGenetics, part of Exact Sciences
Classification: Likely benign for ARID1B-related condition. Last evaluated: 2022-05-24. Review status: no assertion criteria provided. Collection method: clinical testing. Allele origin: germline. Not counted in ClinVar's aggregate classification.
Comment: This variant is classified as likely benign based on ACMG/AMP sequence variant interpretation guidelines (Richards et al. 2015 PMID: 25741868, with internal and published modifications).